The following is an entry in ClinVar:

NM_018127.7(ELAC2):c.491-253del

Gene: ELAC2 (elaC ribonuclease Z 2; minus strand). Cytogenetic location: 17p12.
Variant type: Deletion.
Coding change: c.491-253del on transcript NM_018127.7 (MANE Select); 253 bases into the intron before coding-DNA position 491, one base deleted (C; older notation c.491-253delC).
Molecular consequence: intron variant.
Genome position (GRCh38, 1-based): chr17:13,013,528, G deleted on the plus strand (C on the coding strand, the reverse complement: ELAC2 is on the minus strand). VCF-style (leftmost placement, unchanged base first): chr17-13013527-TG-T. GRCh37 (hg19) VCF-style: chr17-12916844-TG-T.
Other names: c.491-253del (NM_001165962.2, NM_173717.2).
Identifiers: ClinVar variation 671378 (VCV000671378.1), dbSNP rs61296396, ClinGen allele CA288064419.
Genomic context (GRCh38, chr17:13,013,527, plus strand): 5'-TATATTTACTACAGCCAGATGAAAAGACATTATAATCTTTGGTGACTATCCGTTAAAAAT[TG>T]AAAAACAAGAAACTAGTACTCAACTTTCAGAGACCCAAGTTAACAAACAGAATAGTGAAG-3'

ClinVar aggregate classification (germline): Benign (1 of 4 stars; one submission).

Allele frequency attached by ClinVar (database versions not stated): gnomAD 0.08989 and 0.09242; TOPMed 0.10018; 1000 Genomes Project 30x 0.12539; 1000 Genomes Project 0.12800.

Submission:

GeneDx
Classification: Benign. Last evaluated: 2018-06-14. Review status: criteria provided, single submitter. Criteria: GeneDx Variant Classification (06012015). Collection method: clinical testing. Allele origin: germline. Affected: yes.
Comment: This variant is considered likely benign or benign based on one or more of the following criteria: it is a conservative change, it occurs at a poorly conserved position in the protein, it is predicted to be benign by multiple in silico algorithms, and/or has population frequency not consistent with disease.